The following is an entry in ClinVar:

ClinVar aggregate classification (germline): Likely benign. Review status: criteria provided, multiple submitters, no conflicts (2 of 4 stars). 2 submissions from 2 submitters: Likely benign (2). Last evaluated 2025-09-17.

Conditions:
Hyperkalemic periodic paralysis. Also called: Gamstorp disease; Familial hyperkalemic periodic paralysis. Identifiers: Orphanet 682, MedGen C0238357, MONDO:0008224, OMIM 170500, HP:0007215.

Allele frequency attached by ClinVar (database versions not stated): gnomAD exomes 0.00001 and 0.00002; TOPMed 0.00003; gnomAD 0.00004.
gnomAD v4.1: 18 of 1,586,636 alleles (0.0011%); highest among the groups gnomAD compares: Admixed American, 0.011%; no homozygotes.

Submissions (2):

Labcorp Genetics (formerly Invitae), Labcorp
Classification: Likely benign for Hyperkalemic periodic paralysis. Last evaluated: 2025-09-17. Review status: criteria provided, single submitter. Criteria: Invitae Variant Classification Sherloc (09022015). Collection method: clinical testing. Allele origin: germline.

CeGaT Center for Human Genetics Tuebingen
Classification: Likely benign. Last evaluated: 2025-06-01. Review status: criteria provided, single submitter. Criteria: CeGaT Center For Human Genetics Tuebingen Variant Classification Criteria Version 2. Collection method: clinical testing. Allele origin: germline. Affected: yes. Observed: 1 variant allele.
Comment: SCN4A: BP4, BP7

NM_000334.4(SCN4A):c.1221T>C (p.Tyr407=)

Gene: SCN4A (sodium voltage-gated channel alpha subunit 4; minus strand). Cytogenetic location: 17q23.3.
Variant type: single nucleotide variant.
Coding change: c.1221T>C on transcript NM_000334.4 (MANE Select); coding-DNA position 1221, T replaced by C.
Protein change: p.Tyr407=; no amino-acid change (tyrosine 407 retained).
Molecular consequence: synonymous variant.
Genome position (GRCh38, 1-based): chr17:63,966,123, A>G on the plus strand (T>C on the coding strand, the complement: SCN4A is on the minus strand). VCF-style: chr17-63966123-A-G. GRCh37 (hg19) VCF-style: chr17-62043483-A-G.
Identifiers: ClinVar variation 783222 (VCV000783222.18), dbSNP rs1450986503, ClinGen allele CA501226430.